The following is an entry in ClinVar:

NM_015215.4(CAMTA1):c.2257G>A (p.Gly753Ser)

Gene: CAMTA1 (calmodulin binding transcription activator 1; plus strand). Cytogenetic location: 1p36.23.
Variant type: single nucleotide variant.
Coding change: c.2257G>A on transcript NM_015215.4 (MANE Select); coding-DNA position 2257, G replaced by A.
Protein change: p.Gly753Ser; replaces glycine 753 with serine.
Molecular consequence: missense variant.
Genome position (GRCh38, 1-based): chr1:7,664,804, G>A. VCF-style: chr1-7664804-G-A. GRCh37 (hg19) VCF-style: chr1-7724864-G-A.
Other names: c.2167G>A, p.Gly723Ser (NM_001349608.2, NM_001349612.2); c.2257G>A, p.Gly753Ser (NM_001349609.2, NM_001349610.2); short protein forms G723S, G753S.
Identifiers: ClinVar variation 975505 (VCV000975505.6), dbSNP rs751332240, ClinGen allele CA566605.

ClinVar aggregate classification (germline): Uncertain significance. Review status: criteria provided, single submitter (1 of 4 stars). 2 submissions from 2 submitters: Uncertain significance (1). 1 of the submissions does not count toward it. Last evaluated 2022-11-16.

Conditions:
Intellectual disability. Also called: intellectual disabilities; Intellectual developmental disorder; Intellectual functioning disability. Identifiers: MedGen C3714756, MeSH D008607, MONDO:0001071, HP:0001249.

Allele frequency attached by ClinVar (database versions not stated): gnomAD 0.00005 and 0.00007; ExAC 0.00008; TOPMed 0.00003; gnomAD exomes 0.00008.
gnomAD v4.1: 64 of 1,613,048 alleles (0.004%); highest among the groups gnomAD compares: South Asian, 0.038%; no homozygotes.

Submissions (2):

Labcorp Genetics (formerly Invitae), Labcorp
Classification: Uncertain significance. Last evaluated: 2022-11-16. Review status: criteria provided, single submitter. Criteria: Invitae Variant Classification Sherloc (09022015). Collection method: clinical testing. Allele origin: germline.
Comment: ClinVar contains an entry for this variant (Variation ID: 975505). This variant has not been reported in the literature in individuals affected with CAMTA1-related conditions. This variant is present in population databases (rs751332240, gnomAD 0.05%), and has an allele count higher than expected for a pathogenic variant. This sequence change replaces glycine, which is neutral and non-polar, with serine, which is neutral and polar, at codon 753 of the CAMTA1 protein (p.Gly753Ser). In summary, the available evidence is currently insufficient to determine the role of this variant in disease. Therefore, it has been classified as a Variant of Uncertain Significance. Algorithms developed to predict the effect of missense changes on protein structure and function output the following: SIFT: "Tolerated"; PolyPhen-2: "Benign"; Align-GVGD: "Class C0". The serine amino acid residue is found in multiple mammalian species, which suggests that this missense change does not adversely affect protein function.

Centre de Biologie Pathologie Génétique, Centre Hospitalier Universitaire de Lille
Classification: Likely benign for Intellectual disability. Last evaluated: 2019-01-01. Review status: no assertion criteria provided. Collection method: clinical testing. Allele origin: inherited. Affected: yes. Not counted in ClinVar's aggregate classification.